The following is an entry in ClinVar:

ClinVar aggregate classification (germline): Pathogenic/Likely pathogenic. Review status: criteria provided, multiple submitters, no conflicts (2 of 4 stars). 8 submissions from 8 submitters: Pathogenic (5); Likely pathogenic (1). 2 of the submissions do not count toward it. Last evaluated 2026-02-01.

Conditions:
PRPF31-related disorder. Also called: PRPF31-related condition.
Retinal dystrophy. Also called: Inherited retinal dystrophy. Identifiers: Orphanet 71862, MedGen C0854723, MeSH D058499, MONDO:0019118, HP:0000556.
Retinitis pigmentosa (RP). Identifiers: Orphanet 791, MedGen C0035334, MeSH D012174, MONDO:0019200, OMIM 268000. Inheritance: Autosomal dominant, autosomal recessive and X linked inheritance.

Allele frequency attached by ClinVar (database versions not stated): gnomAD exomes below 0.00001.

Submissions (8):

Labcorp Genetics (formerly Invitae), Labcorp
Classification: Pathogenic. Last evaluated: 2026-02-01. Review status: criteria provided, single submitter. Criteria: Invitae Variant Classification Sherloc (09022015). Collection method: clinical testing. Allele origin: germline.
Comment: This sequence change creates a premature translational stop signal (p.Arg354*) in the PRPF31 gene. It is expected to result in an absent or disrupted protein product. Loss-of-function variants in PRPF31 are known to be pathogenic (PMID: 18317597, 23950152). This variant is not present in population databases (gnomAD no frequency). This premature translational stop signal has been observed in individual(s) with clinical features of autosomal dominant retinitis pigmentosa (PMID: 23950152, 30582903). ClinVar contains an entry for this variant (Variation ID: 236425). For these reasons, this variant has been classified as Pathogenic.

Dept Of Ophthalmology, Nagoya University
Classification: Pathogenic for Retinal dystrophy. Last evaluated: 2023-10-01. Review status: criteria provided, single submitter. Criteria: Submitter's publication. Collection method: research. Allele origin: germline. Affected: yes.

CeGaT Center for Human Genetics Tuebingen
Classification: Pathogenic. Last evaluated: 2023-05-01. Review status: criteria provided, single submitter. Criteria: CeGaT Center For Human Genetics Tuebingen Variant Classification Criteria Version 2. Collection method: clinical testing. Allele origin: germline. Affected: yes. Observed: 1 variant allele.
Comment: PRPF31: PVS1, PM2, PS4:Moderate

Blueprint Genetics
Classification: Pathogenic for PRPF31-related disorders. Last evaluated: 2023-02-13. Review status: criteria provided, single submitter. Criteria: ACMG Guidelines, 2015. Collection method: clinical testing. Allele origin: germline. Affected: yes. Observed: 5 variant alleles.

Broad Center for Mendelian Genomics, Broad Institute of MIT and Harvard
Classification: Likely pathogenic for Retinitis pigmentosa. Last evaluated: 2021-04-01. Review status: criteria provided, single submitter. Criteria: ACMG Guidelines, 2015. Collection method: curation. Allele origin: germline. Inheritance: Autosomal dominant inheritance. Affected: yes.
Comment: Through a review of available evidence we were able to apply the following criteria: PVS1, PM2. Based on this evidence we have classified this variant as Likely Pathogenic. If you have any questions about the classification please reach out to the Pierce Lab.

Institute of Human Genetics, Univ. Regensburg, Univ. Regensburg
Classification: Pathogenic for Retinal dystrophy. Last evaluated: 2019-01-01. Review status: criteria provided, single submitter. Criteria: ACMG Guidelines, 2015. Collection method: clinical testing. Allele origin: germline. Affected: yes.

PreventionGenetics, part of Exact Sciences
Classification: Pathogenic for PRPF31-related condition. Last evaluated: 2024-06-21. Review status: no assertion criteria provided. Collection method: clinical testing. Allele origin: germline. Not counted in ClinVar's aggregate classification.
Comment: The PRPF31 c.1060C>T variant is predicted to result in premature protein termination (p.Arg354*). This variant has been reported in multiple individuals with autosomal dominant retinitis pigmentosa (see for examples Sullivan et al. 2013. PubMed ID: 23950152; Kiser et al. 2018. PubMed ID: 30582903; Table S2, Liu et al. 2020. PubMed ID: 33090715; Table S4, Panneman et al. 2023. PubMed ID: 36819107). This variant has not been reported in a large population database, indicating this variant is rare. Nonsense variants in PRPF31 are expected to be pathogenic. Given the evidence, we interpret this variant as pathogenic.

Centre for Genomic Medicine, Manchester, Central Manchester University Hospitals
Classification: Likely pathogenic for Retinal dystrophy. Review status: no assertion criteria provided. Collection method: clinical testing. Allele origin: germline. Affected: yes. Not counted in ClinVar's aggregate classification.

Literature cited by the submitters: PubMed 18317597 (cited by Labcorp Genetics (formerly Invitae), Labcorp); PubMed 23950152 (cited by Labcorp Genetics (formerly Invitae), Labcorp and Institute of Human Genetics, Univ. Regensburg, Univ. Regensburg); PubMed 30582903 (cited by Labcorp Genetics (formerly Invitae), Labcorp and Institute of Human Genetics, Univ. Regensburg, Univ. Regensburg); PubMed 34906470 (cited by Broad Center for Mendelian Genomics, Broad Institute of MIT and Harvard); PubMed 28559085 (cited by Institute of Human Genetics, Univ. Regensburg, Univ. Regensburg); PubMed 29260190 (cited by Institute of Human Genetics, Univ. Regensburg, Univ. Regensburg); PubMed 29305715 (cited by Institute of Human Genetics, Univ. Regensburg, Univ. Regensburg); PubMed 30029497 (cited by Institute of Human Genetics, Univ. Regensburg, Univ. Regensburg); PubMed 30360737 (cited by Institute of Human Genetics, Univ. Regensburg, Univ. Regensburg); PubMed 31213501 (cited by Institute of Human Genetics, Univ. Regensburg, Univ. Regensburg); PubMed 33090715 (cited by Institute of Human Genetics, Univ. Regensburg, Univ. Regensburg); PubMed 32531858 (cited by Institute of Human Genetics, Univ. Regensburg, Univ. Regensburg); PubMed 33946315 (cited by Institute of Human Genetics, Univ. Regensburg, Univ. Regensburg); PubMed 35138024 (cited by Institute of Human Genetics, Univ. Regensburg, Univ. Regensburg); PubMed 36819107 (cited by Institute of Human Genetics, Univ. Regensburg, Univ. Regensburg).

NM_015629.4(PRPF31):c.1060C>T (p.Arg354Ter)

Gene: PRPF31 (pre-mRNA processing factor 31; plus strand). Cytogenetic location: 19q13.42.
Variant type: single nucleotide variant.
Coding change: c.1060C>T on transcript NM_015629.4 (MANE Select); coding-DNA position 1060, C replaced by T.
Protein change: p.Arg354Ter; replaces arginine 354 with a stop codon.
Molecular consequence: nonsense.
Genome position (GRCh38, 1-based): chr19:54,128,187, C>T. VCF-style: chr19-54128187-C-T. GRCh37 (hg19) VCF-style: chr19-54631562-C-T.
Other names: short protein forms R354*.
Identifiers: ClinVar variation 236425 (VCV000236425.37), dbSNP rs868538598, ClinGen allele CA309329313.